The following is an entry in ClinVar:

ClinVar aggregate classification (germline): Uncertain significance. Review status: criteria provided, multiple submitters, no conflicts (2 of 4 stars). 2 submissions from 2 submitters: Uncertain significance (2). Last evaluated 2023-04-06.

Conditions:
Hereditary cancer-predisposing syndrome. Also called: Neoplastic Syndromes, Hereditary; Hereditary Cancer Syndrome; Hereditary neoplastic syndrome; Tumor predisposition. Identifiers: Orphanet 140162, MedGen C0027672, MeSH D009386, MONDO:0015356.
Gorlin syndrome. Also called: Nevoid Basal Cell Carcinoma Syndrome; Basal cell nevus syndrome. Identifiers: Orphanet 377, MedGen C0004779, MONDO:0007187.

Submissions (2):

Labcorp Genetics (formerly Invitae), Labcorp
Classification: Uncertain significance for Gorlin syndrome. Last evaluated: 2023-04-06. Review status: criteria provided, single submitter. Criteria: Invitae Variant Classification Sherloc (09022015). Collection method: clinical testing. Allele origin: germline.
Comment: This variant has not been reported in the literature in individuals affected with PTCH1-related conditions. This variant is not present in population databases (gnomAD no frequency). This sequence change replaces proline, which is neutral and non-polar, with leucine, which is neutral and non-polar, at codon 1272 of the PTCH1 protein (p.Pro1272Leu). ClinVar contains an entry for this variant (Variation ID: 824253). In summary, the available evidence is currently insufficient to determine the role of this variant in disease. Therefore, it has been classified as a Variant of Uncertain Significance. Advanced modeling of protein sequence and biophysical properties (such as structural, functional, and spatial information, amino acid conservation, physicochemical variation, residue mobility, and thermodynamic stability) performed at Invitae indicates that this missense variant is not expected to disrupt PTCH1 protein function.

Ambry Genetics
Classification: Uncertain significance for Hereditary cancer-predisposing syndrome. Last evaluated: 2019-03-31. Review status: criteria provided, single submitter. Criteria: Ambry Variant Classification Scheme 2023. Collection method: clinical testing. Allele origin: germline.
Comment: The p.P1272L variant (also known as c.3815C>T), located in coding exon 23 of the PTCH1 gene, results from a C to T substitution at nucleotide position 3815. The proline at codon 1272 is replaced by leucine, an amino acid with similar properties. This amino acid position is highly conserved in available vertebrate species. In addition, the in silico prediction for this alteration is inconclusive. Since supporting evidence is limited at this time, the clinical significance of this alteration remains unclear.

NM_000264.5(PTCH1):c.3815C>T (p.Pro1272Leu)

Gene: PTCH1 (patched 1; minus strand). Cytogenetic location: 9q22.32.
Variant type: single nucleotide variant.
Coding change: c.3815C>T on transcript NM_000264.5 (MANE Select); coding-DNA position 3815, C replaced by T.
Protein change: p.Pro1272Leu; replaces proline 1272 with leucine.
Molecular consequence: missense variant. On other transcripts: non-coding transcript variant (1).
Genome position (GRCh38, 1-based): chr9:95,447,441, G>A on the plus strand (C>T on the coding strand, the complement: PTCH1 is on the minus strand). VCF-style: chr9-95447441-G-A. GRCh37 (hg19) VCF-style: chr9-98209723-G-A.
Other names: c.3617C>T, p.Pro1206Leu (NM_001083602.3); c.3812C>T, p.Pro1271Leu (NM_001083603.3); c.3362C>T, p.Pro1121Leu (NM_001083604.3, NM_001083605.3, NM_001083606.3 and 1 more transcripts); c.3659C>T, p.Pro1220Leu (NM_001354918.2); short protein forms P1121L, P1206L, P1220L, P1272L, P1271L.
Identifiers: ClinVar variation 824253 (VCV000824253.7), dbSNP rs774167762, ClinGen allele CA374110865.